The following is an entry in ClinVar:

NM_001081.4(CUBN):c.322A>G (p.Ser108Gly)

Gene: CUBN (cubilin; minus strand). Cytogenetic location: 10p13.
Variant type: single nucleotide variant.
Coding change: c.322A>G on transcript NM_001081.4 (MANE Select); coding-DNA position 322, A replaced by G.
Protein change: p.Ser108Gly; replaces serine 108 with glycine.
Molecular consequence: missense variant.
Genome position (GRCh38, 1-based): chr10:17,127,855, T>C on the plus strand (A>G on the coding strand, the complement: CUBN is on the minus strand). VCF-style: chr10-17127855-T-C. GRCh37 (hg19) VCF-style: chr10-17169854-T-C.
Other names: short protein forms S108G.
Identifiers: ClinVar variation 581429 (VCV000581429.9), dbSNP rs1564526263, ClinGen allele CA376169426.

ClinVar aggregate classification (germline): Uncertain significance (1 of 4 stars; one submission).

Conditions:
Imerslund-Grasbeck syndrome. Also called: ENTEROCYTE COBALAMIN MALABSORPTION; ENTEROCYTE INTRINSIC FACTOR RECEPTOR, DEFECT OF; Megaloblastic anemia due to inborn errors of metabolism; Imerslund-Gräsbeck syndrome; PERNICIOUS ANEMIA, JUVENILE, DUE TO SELECTIVE INTESTINAL MALABSORPTION OF VITAMIN B12, WITH PROTEINURIA. Identifiers: Orphanet 35858, MedGen C4551825, MONDO:0009853.

Allele frequency attached by ClinVar (database versions not stated): gnomAD exomes 0.00001.
gnomAD v4.1: 15 of 1,612,774 alleles (0.00093%); highest among the groups gnomAD compares: African/African-American, 0.0013%; no homozygotes.

Submission:

Labcorp Genetics (formerly Invitae), Labcorp
Classification: Uncertain significance for Imerslund-Grasbeck syndrome. Last evaluated: 2018-04-06. Review status: criteria provided, single submitter. Criteria: Invitae Variant Classification Sherloc (09022015). Collection method: clinical testing. Allele origin: germline.
Comment: This variant has not been reported in the literature in individuals with CUBN-related disease. In summary, the available evidence is currently insufficient to determine the role of this variant in disease. Therefore, it has been classified as a Variant of Uncertain Significance. Algorithms developed to predict the effect of missense changes on protein structure and function (SIFT, PolyPhen-2, Align-GVGD) all suggest that this variant is likely to be tolerated, but these predictions have not been confirmed by published functional studies and their clinical significance is uncertain. This variant is not present in population databases (ExAC no frequency). This sequence change replaces serine with glycine at codon 108 of the CUBN protein (p.Ser108Gly). The serine residue is weakly conserved and there is a small physicochemical difference between serine and glycine.